The following is an entry in ClinVar:

ClinVar aggregate classification (germline): Uncertain significance (1 of 4 stars; one submission).

Conditions:
Hajdu-Cheney syndrome (HJCYS). Also called: SERPENTINE FIBULA-POLYCYSTIC KIDNEY SYNDROME; ACROOSTEOLYSIS WITH OSTEOPOROSIS AND CHANGES IN SKULL AND MANDIBLE; Acroosteolysis dominant type. Identifiers: Orphanet 955, MedGen C0917715, MONDO:0007057, OMIM 102500.

Allele frequency attached by ClinVar (database versions not stated): gnomAD exomes below 0.00001; TOPMed below 0.00001.
gnomAD v4.1: 2 of 1,614,172 alleles (0.00012%); highest among the groups gnomAD compares: African/African-American, 0.0013%; no homozygotes.

Submission:

Labcorp Genetics (formerly Invitae), Labcorp
Classification: Uncertain significance for Hajdu-Cheney syndrome. Last evaluated: 2024-11-19. Review status: criteria provided, single submitter. Criteria: Invitae Variant Classification Sherloc (09022015). Collection method: clinical testing. Allele origin: germline.
Comment: This sequence change replaces arginine, which is basic and polar, with cysteine, which is neutral and slightly polar, at codon 1630 of the NOTCH2 protein (p.Arg1630Cys). This variant is not present in population databases (gnomAD no frequency). This variant has not been reported in the literature in individuals affected with NOTCH2-related conditions. ClinVar contains an entry for this variant (Variation ID: 1399202). Invitae Evidence Modeling of protein sequence and biophysical properties (such as structural, functional, and spatial information, amino acid conservation, physicochemical variation, residue mobility, and thermodynamic stability) indicates that this missense variant is expected to disrupt NOTCH2 protein function with a positive predictive value of 80%. In summary, the available evidence is currently insufficient to determine the role of this variant in disease. Therefore, it has been classified as a Variant of Uncertain Significance.

NM_024408.4(NOTCH2):c.4888C>T (p.Arg1630Cys)

Gene: NOTCH2 (notch receptor 2; minus strand). Cytogenetic location: 1p12.
Variant type: single nucleotide variant.
Coding change: c.4888C>T on transcript NM_024408.4 (MANE Select); coding-DNA position 4888, C replaced by T.
Protein change: p.Arg1630Cys; replaces arginine 1630 with cysteine.
Molecular consequence: missense variant.
Genome position (GRCh38, 1-based): chr1:119,922,750, G>A on the plus strand (C>T on the coding strand, the complement: NOTCH2 is on the minus strand). VCF-style: chr1-119922750-G-A. GRCh37 (hg19) VCF-style: chr1-120465373-G-A.
Other names: short protein forms R1630C.
Identifiers: ClinVar variation 1399202 (VCV001399202.8), dbSNP rs1649331292, ClinGen allele CA341888255.